The following is an entry in ClinVar:

NM_007194.4(CHEK2):c.869_878del (p.Asn290fs)

Gene: CHEK2 (checkpoint kinase 2; minus strand). Cytogenetic location: 22q12.1.
Variant type: Deletion.
Coding change: c.869_878del on transcript NM_007194.4 (MANE Select); coding-DNA positions 869 to 878, 10 bases deleted (ACTTTTTTGA; older notation c.869_878delACTTTTTTGA).
Protein change: p.Asn290fs; shifts the reading frame from asparagine 290.
Molecular consequence: frameshift variant.
Genome position (GRCh38, 1-based): chr22:28,703,535-28,703,544, TCAAAAAAGT deleted on the plus strand (ACTTTTTTGA on the coding strand, the reverse complement: CHEK2 is on the minus strand); deleting any 10 consecutive bases within chr22:28,703,535-28,703,545 gives the same sequence; the c. name uses the placement nearest the transcript's 3' end. VCF-style (leftmost placement, unchanged base first): chr22-28703534-ATCAAAAAAGT-A. GRCh37 (hg19) VCF-style: chr22-29099522-ATCAAAAAAGT-A.
Other names: c.997_1006delAACTTTTTTG, p.Asn333Metfs (NM_001005735.3); c.205_214delAACTTTTTTG, p.Asn69Metfs (NM_001257387.3); c.667_676delAACTTTTTTG, p.Asn223Metfs (NM_001349956.3); c.868_877delAACTTTTTTG, p.Asn290Metfs (NM_145862.3); short protein forms N290fs, N333fs, N223fs, N69fs.
Identifiers: ClinVar variation 4002262 (VCV004002262.1).
Genomic context (GRCh38, chr22:28,703,534, plus strand): 5'-AACAGAAATTTTTAAAAAGTTTACTACTTACAATTCCAAAACAATATAATAATCTTCTGC[ATCAAAAAAGT>A]TTTTAATCTTGATGATGCAAGGCTAAGAAGAGGGGGAGAAAAAAGGGAAAGTAGTGAGAA-3'

ClinVar aggregate classification (germline): Pathogenic (1 of 4 stars; one submission).

Conditions:
Hereditary cancer-predisposing syndrome. Also called: Tumor predisposition; Hereditary neoplastic syndrome; Neoplastic Syndromes, Hereditary; Hereditary Cancer Syndrome. Identifiers: Orphanet 140162, MedGen C0027672, MeSH D009386, MONDO:0015356.

Submission:

Ambry Genetics
Classification: Pathogenic for Hereditary cancer-predisposing syndrome. Last evaluated: 2025-05-01. Review status: criteria provided, single submitter. Criteria: Ambry Variant Classification Scheme 2023. Collection method: clinical testing. Allele origin: germline.
Comment: The c.869_878del10 pathogenic mutation, located in coding exon 7 of the CHEK2 gene, results from a deletion of 10 nucleotides at nucleotide positions 869 to 878, causing a translational frameshift with a predicted alternate stop codon (p.N290Mfs*11). This variant is considered to be rare based on population cohorts in the Genome Aggregation Database (gnomAD). This alteration is expected to result in loss of function by premature protein truncation or nonsense-mediated mRNA decay. As such, this alteration is interpreted as a disease-causing mutation.